The following is an entry in ClinVar:

ClinVar aggregate classification (germline): Conflicting classifications of pathogenicity. Review status: criteria provided, conflicting classifications (1 of 4 stars). 3 submissions from 3 submitters: Uncertain significance (2); Likely benign (1). Last evaluated 2025-12-03.

Conditions:
Renal cell carcinoma. Identifiers: Orphanet 217071, MedGen C0007134, MeSH D002292, MONDO:0005086, HP:0005584.
Hereditary cancer-predisposing syndrome. Also called: Neoplastic Syndromes, Hereditary; Hereditary Cancer Syndrome; Tumor predisposition; Hereditary neoplastic syndrome. Identifiers: Orphanet 140162, MedGen C0027672, MeSH D009386, MONDO:0015356.

Allele frequency attached by ClinVar (database versions not stated): gnomAD exomes below 0.00001 and 0.00001.
gnomAD v4.1: 19 of 1,613,900 alleles (0.0012%); highest among the groups gnomAD compares: Non-Finnish European, 0.0016%; no homozygotes.

Submissions (3):

Labcorp Genetics (formerly Invitae), Labcorp
Classification: Uncertain significance for Renal cell carcinoma. Last evaluated: 2025-12-03. Review status: criteria provided, single submitter. Criteria: Invitae Variant Classification Sherloc (09022015). Collection method: clinical testing. Allele origin: germline.
Comment: This sequence change replaces valine, which is neutral and non-polar, with isoleucine, which is neutral and non-polar, at codon 1007 of the MET protein (p.Val1007Ile). This variant is present in population databases (no rsID available, gnomAD 0.0009%). This variant has not been reported in the literature in individuals affected with MET-related conditions. ClinVar contains an entry for this variant (Variation ID: 1039810). Invitae Evidence Modeling of protein sequence and biophysical properties (such as structural, functional, and spatial information, amino acid conservation, physicochemical variation, residue mobility, and thermodynamic stability) indicates that this missense variant is not expected to disrupt MET protein function with a negative predictive value of 80%. In summary, the available evidence is currently insufficient to determine the role of this variant in disease. Therefore, it has been classified as a Variant of Uncertain Significance.

Ambry Genetics
Classification: Likely benign for Hereditary cancer-predisposing syndrome. Last evaluated: 2025-04-14. Review status: criteria provided, single submitter. Criteria: Ambry Variant Classification Scheme 2023. Collection method: clinical testing. Allele origin: germline.

GeneDx
Classification: Uncertain significance. Last evaluated: 2024-11-01. Review status: criteria provided, single submitter. Criteria: GeneDx Variant Classification Process June 2021. Collection method: clinical testing. Allele origin: germline. Affected: yes.
Comment: Not observed at significant frequency in large population cohorts (gnomAD); In silico analysis indicates that this missense variant does not alter protein structure/function; Has not been previously published as pathogenic or benign to our knowledge

NM_000245.4(MET):c.2965G>A (p.Val989Ile)

Gene: MET (MET proto-oncogene, receptor tyrosine kinase; plus strand). Cytogenetic location: 7q31.2.
Variant type: single nucleotide variant.
Coding change: c.2965G>A on transcript NM_000245.4 (MANE Select); coding-DNA position 2965, G replaced by A.
Protein change: p.Val989Ile; replaces valine 989 with isoleucine.
Molecular consequence: missense variant.
Genome position (GRCh38, 1-based): chr7:116,771,926, G>A. VCF-style: chr7-116771926-G-A. GRCh37 (hg19) VCF-style: chr7-116411980-G-A.
Other names: c.3019G>A, p.Val1007Ile (NM_001127500.3); c.1675G>A, p.Val559Ile (NM_001324402.2); short protein forms V559I, V1007I, V989I.
Identifiers: ClinVar variation 1039810 (VCV001039810.12), dbSNP rs1442896663, ClinGen allele CA368987233.